The following is an entry in ClinVar:

ClinVar aggregate classification (germline): Uncertain significance (1 of 4 stars; one submission).

Conditions:
Inborn genetic diseases. Identifiers: MedGen C0950123, MeSH D030342.

Submission:

Ambry Genetics
Classification: Uncertain significance for Inborn genetic diseases. Last evaluated: 2026-05-14. Review status: criteria provided, single submitter. Criteria: Ambry Variant Classification Scheme 2023. Collection method: clinical testing. Allele origin: germline.
Comment: The p.K329N variant (also known as c.987A>C), located in coding exon 1 of the SAMD9L gene, results from an A to C substitution at nucleotide position 987. The lysine at codon 329 is replaced by asparagine, an amino acid with similar properties. This amino acid position is conserved. In addition, this alteration is predicted to be tolerated by in silico analysis. Based on the available evidence, the clinical significance of this variant remains unclear.

NM_152703.5(SAMD9L):c.987A>C (p.Lys329Asn)

Gene: SAMD9L (sterile alpha motif domain containing 9 like; minus strand). Cytogenetic location: 7q21.2.
Variant type: single nucleotide variant.
Coding change: c.987A>C on transcript NM_152703.5 (MANE Select); coding-DNA position 987, A replaced by C.
Protein change: p.Lys329Asn; replaces lysine 329 with asparagine.
Molecular consequence: missense variant.
Genome position (GRCh38, 1-based): chr7:93,134,985, T>G on the plus strand (A>C on the coding strand, the complement: SAMD9L is on the minus strand). VCF-style: chr7-93134985-T-G. GRCh37 (hg19) VCF-style: chr7-92764298-T-G.
Other names: c.987A>C, p.Lys329Asn (NM_001303496.3, NM_001303497.3, NM_001303498.3 and 5 more transcripts); short protein forms K329N.
Identifiers: ClinVar variation 4863992 (VCV004863992.1).